The following is an entry in ClinVar:

ClinVar aggregate classification (germline): Uncertain significance (1 of 4 stars; one submission).

Allele frequency attached by ClinVar (database versions not stated): ExAC 0.00001; gnomAD exomes 0.00001; TOPMed 0.00002; gnomAD 0.00003; 1000 Genomes Project 30x 0.00031; 1000 Genomes Project 0.00040.
gnomAD v4.1: 14 of 1,613,410 alleles (0.00087%); highest among the groups gnomAD compares: Admixed American, 0.0083%; no homozygotes.

Submission:

Labcorp Genetics (formerly Invitae), Labcorp
Classification: Uncertain significance. Last evaluated: 2024-10-05. Review status: criteria provided, single submitter. Criteria: Invitae Variant Classification Sherloc (09022015). Collection method: clinical testing. Allele origin: germline.
Comment: This sequence change replaces threonine, which is neutral and polar, with alanine, which is neutral and non-polar, at codon 598 of the CRAT protein (p.Thr598Ala). This variant is present in population databases (rs181730785, gnomAD 0.003%). This variant has not been reported in the literature in individuals affected with CRAT-related conditions. Invitae Evidence Modeling of protein sequence and biophysical properties (such as structural, functional, and spatial information, amino acid conservation, physicochemical variation, residue mobility, and thermodynamic stability) has been performed for this missense variant. However, the output from this modeling did not meet the statistical confidence thresholds required to predict the impact of this variant on CRAT protein function. In summary, the available evidence is currently insufficient to determine the role of this variant in disease. Therefore, it has been classified as a Variant of Uncertain Significance.

NM_000755.5(CRAT):c.1792A>G (p.Thr598Ala)

Gene: CRAT (carnitine O-acetyltransferase; minus strand). Cytogenetic location: 9q34.11.
Variant type: single nucleotide variant.
Coding change: c.1792A>G on transcript NM_000755.5 (MANE Select); coding-DNA position 1792, A replaced by G.
Protein change: p.Thr598Ala; replaces threonine 598 with alanine.
Molecular consequence: missense variant.
Genome position (GRCh38, 1-based): chr9:129,095,486, T>C on the plus strand (A>G on the coding strand, the complement: CRAT is on the minus strand). VCF-style: chr9-129095486-T-C. GRCh37 (hg19) VCF-style: chr9-131857765-T-C.
Other names: c.1729A>G, p.Thr577Ala (NM_001257363.3, NM_004003.4); c.1795A>G, p.Thr599Ala (NM_001346546.2); c.1720A>G, p.Thr574Ala (NM_001346547.2); c.1657A>G, p.Thr553Ala (NM_001346548.2); c.1672A>G, p.Thr558Ala (NM_001346549.2); short protein forms T577A, T558A, T599A, T574A, T598A, T553A.
Identifiers: ClinVar variation 2960947 (VCV002960947.3), dbSNP rs181730785, ClinGen allele CA5275243.